The following is an entry in ClinVar:

NM_002016.2(FLG):c.6814C>T (p.Gln2272Ter)

Genes: CCDST (cervical cancer associated DHX9 suppressive transcript; plus strand), FLG (filaggrin; minus strand). Cytogenetic location: 1q21.3.
Variant type: single nucleotide variant.
Coding change: c.6814C>T on transcript NM_002016.2 (MANE Select); coding-DNA position 6814, C replaced by T.
Protein change: p.Gln2272Ter; replaces glutamine 2272 with a stop codon.
Molecular consequence: nonsense.
Genome position (GRCh38, 1-based): chr1:152,308,072, G>A on the plus strand (C>T on the coding strand, the complement: FLG is on the minus strand). VCF-style: chr1-152308072-G-A. GRCh37 (hg19) VCF-style: chr1-152280548-G-A.
Other names: short protein forms Q2272*.
Identifiers: ClinVar variation 3368171 (VCV003368171.1).

ClinVar aggregate classification (germline): Pathogenic (1 of 4 stars; one submission).

Submission:

GeneDx
Classification: Pathogenic. Last evaluated: 2024-03-28. Review status: criteria provided, single submitter. Criteria: GeneDx Variant Classification Process June 2021. Collection method: clinical testing. Allele origin: germline. Affected: yes.
Comment: Nonsense variant predicted to result in protein truncation, as the last 1790 amino acids are lost, and other loss-of-function variants have been reported downstream in HGMD; Not observed at significant frequency in large population cohorts (gnomAD); Has not been previously published as pathogenic or benign to our knowledge; This variant is associated with the following publications: (PMID: 16444271)